The following is an entry in ClinVar:

NM_001942.4(DSG1):c.2482G>C (p.Asp828His)

Genes: DSG1 (desmoglein 1; plus strand), DSG1-AS1 (DSG1 antisense RNA 1; minus strand), LOC126862720 (MED14-independent group 3 enhancer GRCh37_chr18:28933613-28934812; plus strand). Cytogenetic location: 18q12.1.
Variant type: single nucleotide variant.
Coding change: c.2482G>C on transcript NM_001942.4 (MANE Select); coding-DNA position 2482, G replaced by C.
Protein change: p.Asp828His; replaces aspartic acid 828 with histidine.
Molecular consequence: missense variant.
Genome position (GRCh38, 1-based): chr18:31,354,678, G>C. VCF-style: chr18-31354678-G-C. GRCh37 (hg19) VCF-style: chr18-28934641-G-C.
Other names: short protein forms D828H.
Identifiers: ClinVar variation 1353201 (VCV001353201.8), dbSNP rs3752094, ClinGen allele CA402122989.

ClinVar aggregate classification (germline): Uncertain significance (1 of 4 stars; one submission).

Submission:

Labcorp Genetics (formerly Invitae), Labcorp
Classification: Uncertain significance. Last evaluated: 2022-01-07. Review status: criteria provided, single submitter. Criteria: Invitae Variant Classification Sherloc (09022015). Collection method: clinical testing. Allele origin: germline.
Comment: In summary, the available evidence is currently insufficient to determine the role of this variant in disease. Therefore, it has been classified as a Variant of Uncertain Significance. Algorithms developed to predict the effect of missense changes on protein structure and function (SIFT, PolyPhen-2, Align-GVGD) all suggest that this variant is likely to be disruptive. This variant has not been reported in the literature in individuals affected with DSG1-related conditions. This variant is not present in population databases (gnomAD no frequency). This sequence change replaces aspartic acid, which is acidic and polar, with histidine, which is basic and polar, at codon 828 of the DSG1 protein (p.Asp828His).